The following is an entry in ClinVar:

ClinVar aggregate classification (germline): Uncertain significance. Review status: criteria provided, single submitter (1 of 4 stars). 2 submissions from 2 submitters: Uncertain significance (1). 1 of the submissions does not count toward it. Last evaluated 2017-04-06.

Conditions:
Pseudoachondroplastic spondyloepiphyseal dysplasia syndrome (PSACH). Also called: PSEUDOACHONDROPLASTIC DYSPLASIA; Pseudoachondroplasia; COMP-Related Pseudoachondroplasia. Identifiers: Orphanet 750, MedGen C0410538, MONDO:0008322, OMIM 177170.

Submissions (2):

GeneDx
Classification: Uncertain significance. Last evaluated: 2017-04-06. Review status: criteria provided, single submitter. Criteria: GeneDx Variant Classification (06012015). Collection method: clinical testing. Allele origin: germline. Affected: yes.
Comment: The T529I variant has been published in patients diagnosed with Pseudoachondroplasia with limited evidence for pathogenicity (Kennedy et al. 2005; Jackson et al., 2012; Kennedy et al. 2005). The T529I variant is not observed in large population cohorts (Lek et al., 2016; 1000 Genomes Consortium et al., 2015; Exome Variant Server). The T529I variant is a non-conservative amino acid substitution, which is likely to impact secondary protein structure as these residues differ in polarity, charge, size and/or other properties. This substitution occurs at a position that is conserved across species. In silico analysis predicts this variant is probably damaging to the protein structure/function. In summary, based on the currently available information, it is unclear whether this variant is a pathogenic variant or a rare benign variant.

GeneReviews
No classification provided. Condition: Pseudoachondroplastic spondyloepiphyseal dysplasia syndrome. Review status: no classification provided. Collection method: literature only. Allele origin: germline. Not counted in ClinVar's aggregate classification.

NM_000095.3(COMP):c.1586C>T (p.Thr529Ile)

Gene: COMP (cartilage oligomeric matrix protein; minus strand). Cytogenetic location: 19p13.11.
Variant type: single nucleotide variant.
Coding change: c.1586C>T on transcript NM_000095.3 (MANE Select); coding-DNA position 1586, C replaced by T.
Protein change: p.Thr529Ile; replaces threonine 529 with isoleucine.
Molecular consequence: missense variant.
Genome position (GRCh38, 1-based): chr19:18,785,755, G>A on the plus strand (C>T on the coding strand, the complement: COMP is on the minus strand). VCF-style: chr19-18785755-G-A. GRCh37 (hg19) VCF-style: chr19-18896565-G-A.
Other names: short protein forms T529I.
Identifiers: ClinVar variation 40990 (VCV000040990.5), dbSNP rs312262903, ClinGen allele CA343855.